The following is an entry in ClinVar:

NM_001040436.3(YARS2):c.883G>A (p.Asp295Asn)

Gene: YARS2 (tyrosyl-tRNA synthetase 2; minus strand). Cytogenetic location: 12p11.21.
Variant type: single nucleotide variant.
Coding change: c.883G>A on transcript NM_001040436.3 (MANE Select); coding-DNA position 883, G replaced by A.
Protein change: p.Asp295Asn; replaces aspartic acid 295 with asparagine.
Molecular consequence: missense variant.
Genome position (GRCh38, 1-based): chr12:32,753,982, C>T on the plus strand (G>A on the coding strand, the complement: YARS2 is on the minus strand). VCF-style: chr12-32753982-C-T. GRCh37 (hg19) VCF-style: chr12-32906916-C-T.
Other names: short protein forms D295N.
Identifiers: ClinVar variation 215416 (VCV000215416.3), dbSNP rs760072286, ClinGen allele CA321571.
Genomic context (GRCh38, chr12:32,753,982, plus strand): 5'-CCACTGAATCGTCCGGTTGCCTGACAAAGAATTGATACAATTCAAATGGAGATGTCTTAT[C>T]TCTGTTTAGCCAAACAGCGTTGCCAGCAGACTTTCCCAGCTTTGCTCCAGTTGTACTTGT-3'
Protein context (NP_001035526.1, residues 285-305): SAGNAVWLNR[Asp295Asn]KTSPFELYQF

ClinVar aggregate classification (germline): Conflicting classifications of pathogenicity. Review status: criteria provided, conflicting classifications (1 of 4 stars). 3 submissions from 3 submitters: Uncertain significance (2); Likely benign (1). Last evaluated 2022-07-12.

Conditions:
Inborn genetic diseases. Identifiers: MedGen C0950123, MeSH D030342.

Allele frequency attached by ClinVar (database versions not stated): gnomAD 0.00003; TOPMed 0.00004.

Submissions (3):

Ambry Genetics
Classification: Uncertain significance for Inborn genetic diseases. Last evaluated: 2022-07-12. Review status: criteria provided, single submitter. Criteria: Ambry Variant Classification Scheme 2023. Collection method: clinical testing. Allele origin: germline.

Labcorp Genetics (formerly Invitae), Labcorp
Classification: Uncertain significance. Last evaluated: 2022-04-28. Review status: criteria provided, single submitter. Criteria: Invitae Variant Classification Sherloc (09022015). Collection method: clinical testing. Allele origin: germline.
Comment: This sequence change replaces aspartic acid, which is acidic and polar, with asparagine, which is neutral and polar, at codon 295 of the YARS2 protein (p.Asp295Asn). This variant is present in population databases (rs760072286, gnomAD 0.02%). This variant has not been reported in the literature in individuals affected with YARS2-related conditions. ClinVar contains an entry for this variant (Variation ID: 215416). Advanced modeling of protein sequence and biophysical properties (such as structural, functional, and spatial information, amino acid conservation, physicochemical variation, residue mobility, and thermodynamic stability) performed at Invitae indicates that this missense variant is not expected to disrupt YARS2 protein function. In summary, the available evidence is currently insufficient to determine the role of this variant in disease. Therefore, it has been classified as a Variant of Uncertain Significance.

GeneDx
Classification: Likely benign. Last evaluated: 2012-11-03. Review status: criteria provided, single submitter. Criteria: GeneDx Variant Classification (06012015). Collection method: clinical testing. Allele origin: germline. Affected: yes.
Comment: This variant is considered likely benign or benign based on one or more of the following criteria: it is a conservative change, it occurs at a poorly conserved position in the protein, it is predicted to be benign by multiple in silico algorithms, and/or has population frequency not consistent with disease.